The following is an entry in ClinVar:

NM_006389.5(HYOU1):c.2434G>A (p.Val812Ile)

Gene: HYOU1 (hypoxia up-regulated 1; minus strand). Cytogenetic location: 11q23.3.
Variant type: single nucleotide variant.
Coding change: c.2434G>A on transcript NM_006389.5 (MANE Select); coding-DNA position 2434, G replaced by A.
Protein change: p.Val812Ile; replaces valine 812 with isoleucine.
Molecular consequence: missense variant.
Genome position (GRCh38, 1-based): chr11:119,048,023, C>T on the plus strand (G>A on the coding strand, the complement: HYOU1 is on the minus strand). VCF-style: chr11-119048023-C-T. GRCh37 (hg19) VCF-style: chr11-118918735-C-T.
Other names: c.2434G>A, p.Val812Ile (NM_001130991.3, NM_001411041.1); short protein forms V812I.
Identifiers: ClinVar variation 2324811 (VCV002324811.5), dbSNP rs1944188646, ClinGen allele CA382924291.
Genomic context (GRCh38, chr11:119,048,023, plus strand): 5'-AATGGTTGAGGAGATTATCGAGGGCAGACAGCCGTTCGGGCCACTTCTTGCGCTCCTCTA[C>T]CCGAAAAAACAGCCCTTGGCACAGCTTCCTCAGCTCAGCCAGCTTCTCCTTCAACATCTG-3'
Protein context (NP_006380.1, residues 802-822): RKLCQGLFFR[Val812Ile]EERKKWPERL

ClinVar aggregate classification (germline): Uncertain significance. Review status: criteria provided, multiple submitters, no conflicts (2 of 4 stars). 2 submissions from 2 submitters: Uncertain significance (2). Last evaluated 2023-03-16.

Allele frequency attached by ClinVar (database versions not stated): TOPMed below 0.00001; gnomAD 0.00001; gnomAD exomes 0.00001.
gnomAD v4.1: 12 of 1,614,082 alleles (0.00074%); highest among the groups gnomAD compares: Non-Finnish European, 0.00093%; no homozygotes.

Submissions (2):

Labcorp Genetics (formerly Invitae), Labcorp
Classification: Uncertain significance. Last evaluated: 2023-03-16. Review status: criteria provided, single submitter. Criteria: Invitae Variant Classification Sherloc (09022015). Collection method: clinical testing. Allele origin: germline.
Comment: In summary, the available evidence is currently insufficient to determine the role of this variant in disease. Therefore, it has been classified as a Variant of Uncertain Significance. An algorithm developed to predict the effect of missense changes on protein structure and function (PolyPhen-2) suggests that this variant is likely to be disruptive. This variant is not present in population databases (gnomAD no frequency). This variant has not been reported in the literature in individuals affected with HYOU1-related conditions. This sequence change replaces valine, which is neutral and non-polar, with isoleucine, which is neutral and non-polar, at codon 812 of the HYOU1 protein (p.Val812Ile). ClinVar contains an entry for this variant (Variation ID: 2324811).

Ambry Genetics
Classification: Uncertain significance. Last evaluated: 2022-11-08. Review status: criteria provided, single submitter. Criteria: Ambry Variant Classification Scheme 2023. Collection method: clinical testing. Allele origin: germline.